The following is an entry in ClinVar:

NM_015474.4(SAMHD1):c.848C>G (p.Ser283Ter)

Gene: SAMHD1 (SAM and HD domain containing deoxynucleoside triphosphate triphosphohydrolase 1; minus strand). Cytogenetic location: 20q11.23.
Variant type: single nucleotide variant.
Coding change: c.848C>G on transcript NM_015474.4 (MANE Select); coding-DNA position 848, C replaced by G.
Protein change: p.Ser283Ter; replaces serine 283 with a stop codon.
Molecular consequence: nonsense.
Genome position (GRCh38, 1-based): chr20:36,919,368, G>C on the plus strand (C>G on the coding strand, the complement: SAMHD1 is on the minus strand). VCF-style: chr20-36919368-G-C. GRCh37 (hg19) VCF-style: chr20-35547771-G-C.
Other names: c.848C>G, p.Ser283Ter (NM_001363729.2, NM_001363733.2); short protein forms S283*.
Identifiers: ClinVar variation 2859750 (VCV002859750.3), dbSNP rs1656506214, ClinGen allele CA408846068.

ClinVar aggregate classification (germline): Pathogenic (1 of 4 stars; one submission).

Conditions:
Aicardi-Goutieres syndrome 5. Identifiers: Orphanet 51, MedGen C2749659, MONDO:0013059, OMIM 612952.

Submission:

Labcorp Genetics (formerly Invitae), Labcorp
Classification: Pathogenic for Aicardi-Goutieres syndrome 5. Last evaluated: 2023-04-27. Review status: criteria provided, single submitter. Criteria: Invitae Variant Classification Sherloc (09022015). Collection method: clinical testing. Allele origin: germline.
Comment: For these reasons, this variant has been classified as Pathogenic. This variant has not been reported in the literature in individuals affected with SAMHD1-related conditions. This variant is not present in population databases (gnomAD no frequency). This sequence change creates a premature translational stop signal (p.Ser283*) in the SAMHD1 gene. It is expected to result in an absent or disrupted protein product. Loss-of-function variants in SAMHD1 are known to be pathogenic (PMID: 19525956, 22461318).

Literature cited by the submitters: PubMed 19525956; PubMed 22461318.